The following is an entry in ClinVar:

NM_003922.4(HERC1):c.8556-3T>C

Gene: HERC1 (HECT and RLD domain containing E3 ubiquitin protein ligase family member 1; minus strand). Cytogenetic location: 15q22.31.
Variant type: single nucleotide variant.
Coding change: c.8556-3T>C on transcript NM_003922.4 (MANE Select); 3 bases into the intron before coding-DNA position 8556, T replaced by C.
Molecular consequence: intron variant.
Genome position (GRCh38, 1-based): chr15:63,664,597, A>G on the plus strand (T>C on the coding strand, the complement: HERC1 is on the minus strand). VCF-style: chr15-63664597-A-G. GRCh37 (hg19) VCF-style: chr15-63956796-A-G.
Identifiers: ClinVar variation 1921924 (VCV001921924.5), dbSNP rs1416053187, ClinGen allele CA618558807.

ClinVar aggregate classification (germline): Uncertain significance (1 of 4 stars; one submission).

gnomAD v4.1: 1 of 1,612,152 alleles (0.000062%); highest among the groups gnomAD compares: Admixed American, 0.0017%; no homozygotes.

Submission:

Labcorp Genetics (formerly Invitae), Labcorp
Classification: Uncertain significance. Last evaluated: 2022-07-23. Review status: criteria provided, single submitter. Criteria: Invitae Variant Classification Sherloc (09022015). Collection method: clinical testing. Allele origin: germline.
Comment: In summary, the available evidence is currently insufficient to determine the role of this variant in disease. Therefore, it has been classified as a Variant of Uncertain Significance. Variants that disrupt the consensus splice site are a relatively common cause of aberrant splicing (PMID: 17576681, 9536098). Algorithms developed to predict the effect of sequence changes on RNA splicing suggest that this variant is not likely to affect RNA splicing. This variant has not been reported in the literature in individuals affected with HERC1-related conditions. The frequency data for this variant in the population databases is considered unreliable, as metrics indicate poor data quality at this position in the gnomAD database. This sequence change falls in intron 42 of the HERC1 gene. It does not directly change the encoded amino acid sequence of the HERC1 protein. It affects a nucleotide within the consensus splice site.

Literature cited by the submitters: PubMed 17576681; PubMed 9536098.